The following is an entry in ClinVar:

NM_001379291.1(BRD4):c.313A>G (p.Met105Val)

Gene: BRD4 (bromodomain containing 4; minus strand). Cytogenetic location: 19p13.12.
Variant type: single nucleotide variant.
Coding change: c.313A>G on transcript NM_001379291.1 (MANE Select); coding-DNA position 313, A replaced by G.
Protein change: p.Met105Val; replaces methionine 105 with valine.
Molecular consequence: missense variant.
Genome position (GRCh38, 1-based): chr19:15,269,015, T>C on the plus strand (A>G on the coding strand, the complement: BRD4 is on the minus strand). VCF-style: chr19-15269015-T-C. GRCh37 (hg19) VCF-style: chr19-15379826-T-C.
Other names: c.313A>G, p.Met105Val (NM_001379292.1, NM_014299.3, NM_058243.3 and 1 more transcripts); short protein forms M105V.
Identifiers: ClinVar variation 3646075 (VCV003646075.2).
Genomic context (GRCh38, chr19:15,269,015, plus strand): 5'-ATTCCTGAGCATTCCAGTAATAGTTGTTTTCCAAGCGCTTCTTTATTGTTCCCATATCCA[T>C]AGGCGTTTTAATGATCTTATAGTAATCCTGGAGAGCAGAGAGCAAAAGTCCAGTGTCACC-3'
Protein context (NP_001366220.1, residues 95-115): PDYYKIIKTP[Met105Val]DMGTIKKRLE

ClinVar aggregate classification (germline): Uncertain significance (1 of 4 stars; one submission).

Submission:

Labcorp Genetics (formerly Invitae), Labcorp
Classification: Uncertain significance. Last evaluated: 2024-03-15. Review status: criteria provided, single submitter. Criteria: Invitae Variant Classification Sherloc (09022015). Collection method: clinical testing. Allele origin: germline.
Comment: This sequence change replaces methionine, which is neutral and non-polar, with valine, which is neutral and non-polar, at codon 105 of the BRD4 protein (p.Met105Val). This variant is not present in population databases (gnomAD no frequency). This variant has not been reported in the literature in individuals affected with BRD4-related conditions. Advanced modeling of protein sequence and biophysical properties (such as structural, functional, and spatial information, amino acid conservation, physicochemical variation, residue mobility, and thermodynamic stability) has been performed at Invitae for this missense variant, however the output from this modeling did not meet the statistical confidence thresholds required to predict the impact of this variant on BRD4 protein function. In summary, the available evidence is currently insufficient to determine the role of this variant in disease. Therefore, it has been classified as a Variant of Uncertain Significance.